The following is an entry in ClinVar:

ClinVar aggregate classification (germline): Likely benign (1 of 4 stars; one submission).

Conditions:
Malignant hyperthermia, susceptibility to, 5 (MHS5). Also called: CACNA1S-Related Malignant Hyperthermia Susceptibility. Identifiers: Orphanet 423, MedGen C1866077, MONDO:0011163, OMIM 601887.

gnomAD v4.1: 3 of 1,607,148 alleles (0.00019%); highest among the groups gnomAD compares: Non-Finnish European, 0.00026%; no homozygotes.

Submission:

All of Us Research Program, National Institutes of Health
Classification: Likely benign for Malignant hyperthermia, susceptibility to, 5. Last evaluated: 2023-06-26. Review status: criteria provided, single submitter. Criteria: ACMG Guidelines, 2015. Collection method: clinical testing. Allele origin: germline. Inheritance: Autosomal dominant inheritance. Observed: 1 variant allele, 1 heterozygote.
Comment: This study involves interpretation of variants in research participants for the purpose of population health screening. Participant phenotype was not available at the time of variant classification. Additional details can be found in publication PMID: 35346344, PMCID: PMC8962531

NM_000069.3(CACNA1S):c.4339-14G>T

Gene: CACNA1S (calcium voltage-gated channel subunit alpha1 S; minus strand). Cytogenetic location: 1q32.1.
Variant type: single nucleotide variant.
Coding change: c.4339-14G>T on transcript NM_000069.3 (MANE Select); 14 bases into the intron before coding-DNA position 4339, G replaced by T.
Molecular consequence: intron variant.
Genome position (GRCh38, 1-based): chr1:201,048,698, C>A on the plus strand (G>T on the coding strand, the complement: CACNA1S is on the minus strand). VCF-style: chr1-201048698-C-A. GRCh37 (hg19) VCF-style: chr1-201017826-C-A.
Identifiers: ClinVar variation 3072225 (VCV003072225.1), dbSNP rs200570483, ClinGen allele CA2649759876.